The following is an entry in ClinVar:

NC_000001.10:g.(?_236849954)_(237205889_?)dup

Genes: MT1HL1 (metallothionein 1H like 1; minus strand), RYR2 (ryanodine receptor 2; plus strand), ACTN2 (actinin alpha 2; plus strand), MTR (5-methyltetrahydrofolate-homocysteine methyltransferase; plus strand), LOC129932886 (ATAC-STARR-seq lymphoblastoid active region 2827; plus strand) and 6 more. Cytogenetic location: 1q43.
Variant type: Duplication.
Identifiers: ClinVar variation 463185 (VCV000463185.1).

ClinVar aggregate classification (germline): Uncertain significance (1 of 4 stars; one submission).

Conditions:
Dilated cardiomyopathy 1AA (CMD1AA). Also called: Cardiomyopathy, dilated, 1AA, with or without LVNC; CARDIOMYOPATHY, DILATED, 1AA, WITH OR WITHOUT LEFT VENTRICULAR NONCOMPACTION; CARDIOMYOPATHY, FAMILIAL HYPERTROPHIC, 23, WITH OR WITHOUT LEFT VENTRICULAR NONCOMPACTION. Identifiers: Orphanet 154, MedGen C2677338, MONDO:0012808, OMIM 612158.
Primary familial hypertrophic cardiomyopathy (HCM). Identifiers: Orphanet 99739, MedGen C0949658, MeSH D024741, MONDO:0024573. Inheritance: Various modes of inheritance.

Submission:

Labcorp Genetics (formerly Invitae), Labcorp
Classification: Uncertain significance for Primary familial hypertrophic cardiomyopathy; Dilated cardiomyopathy 1AA. Last evaluated: 2017-03-01. Review status: criteria provided, single submitter. Criteria: Invitae Variant Classification Sherloc (09022015). Collection method: clinical testing. Allele origin: germline.
Comment: A gross duplication of the genomic region encompassing the full coding sequence of the ACTN2 gene has been identified. The boundaries of this event are unknown as the duplication extends beyond the assayed region for this gene and therefore may encompass additional genes. As the precise location of this duplication is unknown, it may be in tandem or it may be located elsewhere in the genome. This variant has not been reported in the literature in individuals with an ACTN2-related disease. Experimental studies and prediction algorithms are not available for this variant, and the functional significance of this duplication is currently unknown. In summary, the exact genomic location of this variant is unknown and the impact of this duplication on ACTN2 protein function has not been established. Therefore, it has been classified as a Variant of Uncertain Significance.